The following is an entry in ClinVar:

ClinVar aggregate classification (germline): Uncertain significance (1 of 4 stars; one submission).

Conditions:
Peroxisome biogenesis disorder. Identifiers: Orphanet 79189, MedGen C1832200, MONDO:0019234. Disease mechanism: loss of function.

Submission:

Labcorp Genetics (formerly Invitae), Labcorp
Classification: Uncertain significance for Peroxisome biogenesis disorder. Last evaluated: 2021-08-14. Review status: criteria provided, single submitter. Criteria: Invitae Variant Classification Sherloc (09022015). Collection method: clinical testing. Allele origin: germline.
Comment: This sequence change replaces leucine with proline at codon 205 of the PEX6 protein (p.Leu205Pro). The leucine residue is weakly conserved and there is a moderate physicochemical difference between leucine and proline. This variant is not present in population databases (ExAC no frequency). This variant has not been reported in the literature in individuals affected with PEX6-related conditions. Algorithms developed to predict the effect of missense changes on protein structure and function are either unavailable or do not agree on the potential impact of this missense change (SIFT: "Deleterious"; PolyPhen-2: "Benign"; Align-GVGD: "Class C0"). In summary, the available evidence is currently insufficient to determine the role of this variant in disease. Therefore, it has been classified as a Variant of Uncertain Significance.

NM_000287.4(PEX6):c.614T>C (p.Leu205Pro)

Gene: PEX6 (peroxisomal biogenesis factor 6; minus strand). Cytogenetic location: 6p21.1.
Variant type: single nucleotide variant.
Coding change: c.614T>C on transcript NM_000287.4 (MANE Select); coding-DNA position 614, T replaced by C.
Protein change: p.Leu205Pro; replaces leucine 205 with proline.
Molecular consequence: missense variant. On other transcripts: non-coding transcript variant (1).
Genome position (GRCh38, 1-based): chr6:42,978,537, A>G on the plus strand (T>C on the coding strand, the complement: PEX6 is on the minus strand). VCF-style: chr6-42978537-A-G. GRCh37 (hg19) VCF-style: chr6-42946275-A-G.
Other names: c.614T>C, p.Leu205Pro (NM_001316313.2); short protein forms L205P.
Identifiers: ClinVar variation 1368616 (VCV001368616.5), dbSNP rs1379179938, ClinGen allele CA364163377.